The following is an entry in ClinVar:

ClinVar aggregate classification (germline): Uncertain significance (1 of 4 stars; one submission).

Submission:

GeneDx
Classification: Uncertain significance. Last evaluated: 2023-03-09. Review status: criteria provided, single submitter. Criteria: GeneDx Variant Classification Process June 2021. Collection method: clinical testing. Allele origin: germline. Affected: yes.
Comment: Not observed at significant frequency in large population cohorts (gnomAD); In silico analysis supports that this missense variant has a deleterious effect on protein structure/function; Has not been previously published as pathogenic or benign to our knowledge

NM_001282531.3(ADNP):c.2255T>C (p.Leu752Ser)

Gene: ADNP (activity dependent neuroprotector homeobox; minus strand). Cytogenetic location: 20q13.13.
Variant type: single nucleotide variant.
Coding change: c.2255T>C on transcript NM_001282531.3 (MANE Select); coding-DNA position 2255, T replaced by C.
Protein change: p.Leu752Ser; replaces leucine 752 with serine.
Molecular consequence: missense variant.
Genome position (GRCh38, 1-based): chr20:50,892,459, A>G on the plus strand (T>C on the coding strand, the complement: ADNP is on the minus strand). VCF-style: chr20-50892459-A-G. GRCh37 (hg19) VCF-style: chr20-49508996-A-G.
Other names: c.2255T>C, p.Leu752Ser (NM_001282532.2, NM_001347511.2, NM_015339.5 and 1 more transcripts); short protein forms L752S.
Identifiers: ClinVar variation 2579429 (VCV002579429.1), dbSNP rs2515579481, ClinGen allele CA408970867.